The following is an entry in ClinVar:

ClinVar aggregate classification (germline): Uncertain significance (1 of 4 stars; one submission).

Conditions:
Mowat-Wilson syndrome (MOWS). Also called: Classic Mowat-Wilson Syndrome. Identifiers: Orphanet 2152, MedGen C1856113, MONDO:0009341, OMIM 235730.

gnomAD v4.1: 1 of 1,614,104 alleles (0.000062%); highest among the groups gnomAD compares: Admixed American, 0.0017%; no homozygotes.

Submission:

Labcorp Genetics (formerly Invitae), Labcorp
Classification: Uncertain significance for Mowat-Wilson syndrome. Last evaluated: 2019-08-27. Review status: criteria provided, single submitter. Criteria: Invitae Variant Classification Sherloc (09022015). Collection method: clinical testing. Allele origin: germline.
Comment: In summary, the available evidence is currently insufficient to determine the role of this variant in disease. Therefore, it has been classified as a Variant of Uncertain Significance. Algorithms developed to predict the effect of missense changes on protein structure and function (SIFT, PolyPhen-2, Align-GVGD) all suggest that this variant is likely to be tolerated, but these predictions have not been confirmed by published functional studies and their clinical significance is uncertain. This variant has not been reported in the literature in individuals with ZEB2-related conditions. This variant is not present in population databases (ExAC no frequency). This sequence change replaces valine with leucine at codon 629 of the ZEB2 protein (p.Val629Leu). The valine residue is moderately conserved and there is a small physicochemical difference between valine and leucine.

NM_014795.4(ZEB2):c.1885G>C (p.Val629Leu)

Gene: ZEB2 (zinc finger E-box binding homeobox 2; minus strand). Cytogenetic location: 2q22.3.
Variant type: single nucleotide variant.
Coding change: c.1885G>C on transcript NM_014795.4 (MANE Select); coding-DNA position 1885, G replaced by C.
Protein change: p.Val629Leu; replaces valine 629 with leucine.
Molecular consequence: missense variant.
Genome position (GRCh38, 1-based): chr2:144,399,302, C>G on the plus strand (G>C on the coding strand, the complement: ZEB2 is on the minus strand). VCF-style: chr2-144399302-C-G. GRCh37 (hg19) VCF-style: chr2-145156869-C-G.
Other names: c.1813G>C, p.Val605Leu (NM_001171653.2); short protein forms V629L, V605L.
Identifiers: ClinVar variation 939431 (VCV000939431.9), dbSNP rs1413108582, ClinGen allele CA348709853.